The following is an entry in ClinVar:

ClinVar aggregate classification (germline): Uncertain significance. Review status: criteria provided, multiple submitters, no conflicts (2 of 4 stars). 2 submissions from 2 submitters: Uncertain significance (2). Last evaluated 2022-04-10.

Conditions:
Neuronal ceroid lipofuscinosis 8 (CLN8). Also called: CLN8-Related Neuronal Ceroid-Lipofuscinosis. Identifiers: Orphanet 168491, Orphanet 228354, Orphanet 79264, MedGen C1838570, MONDO:0010830, OMIM 600143.
Neuronal ceroid lipofuscinosis 8 northern epilepsy variant. Also called: EPILEPSY, PROGRESSIVE, WITH MENTAL RETARDATION; NORTHERN EPILEPSY. Identifiers: Orphanet 1947, MedGen C1864923, MONDO:0012391, OMIM 610003.
Neuronal ceroid lipofuscinosis. Also called: Neuronal Ceroid Lipofuscinoses. Identifiers: Orphanet 216, Orphanet 79263, MedGen C0027877, MONDO:0016295. Disease mechanism: loss of function.

gnomAD v4.1: 1 of 1,614,124 alleles (0.000062%); highest among the groups gnomAD compares: Non-Finnish European, 0.000085%; no homozygotes.

Submissions (2):

Labcorp Genetics (formerly Invitae), Labcorp
Classification: Uncertain significance for Neuronal ceroid lipofuscinosis. Last evaluated: 2022-04-10. Review status: criteria provided, single submitter. Criteria: Invitae Variant Classification Sherloc (09022015). Collection method: clinical testing. Allele origin: germline.
Comment: This sequence change replaces asparagine, which is neutral and polar, with isoleucine, which is neutral and non-polar, at codon 125 of the CLN8 protein (p.Asn125Ile). This variant is not present in population databases (gnomAD no frequency). This variant has not been reported in the literature in individuals affected with CLN8-related conditions. Algorithms developed to predict the effect of missense changes on protein structure and function are either unavailable or do not agree on the potential impact of this missense change (SIFT: "Deleterious"; PolyPhen-2: "Possibly Damaging"; Align-GVGD: "Class C15"). In summary, the available evidence is currently insufficient to determine the role of this variant in disease. Therefore, it has been classified as a Variant of Uncertain Significance.

Fulgent Genetics
Classification: Uncertain significance for Neuronal ceroid lipofuscinosis 8; Neuronal ceroid lipofuscinosis 8 northern epilepsy variant. Last evaluated: 2021-10-18. Review status: criteria provided, single submitter. Criteria: ACMG Guidelines, 2015. Collection method: clinical testing. Allele origin: unknown.

NM_018941.4(CLN8):c.374A>T (p.Asn125Ile)

Gene: CLN8 (CLN8 transmembrane ER and ERGIC protein; plus strand). Cytogenetic location: 8p23.3.
Variant type: single nucleotide variant.
Coding change: c.374A>T on transcript NM_018941.4 (MANE Select); coding-DNA position 374, A replaced by T.
Protein change: p.Asn125Ile; replaces asparagine 125 with isoleucine.
Molecular consequence: missense variant.
Genome position (GRCh38, 1-based): chr8:1,771,428, A>T. VCF-style: chr8-1771428-A-T. GRCh37 (hg19) VCF-style: chr8-1719594-A-T.
Other names: short protein forms N125I.
Identifiers: ClinVar variation 1354506 (VCV001354506.4), dbSNP rs142269885, ClinGen allele CA170445758.
Genomic context (GRCh38, chr8:1,771,428, plus strand): 5'-TTCACATCACGACAGCAACGGGATTCTTTTGCTTTGAAAATGTTGCAGTCCACCTGTCCA[A>T]CTTGATCTTCCGGACATTTGACTTGTTTCTGGTTATCCACCATCTCTTTGCCTTTCTTGG-3'
Protein context (NP_061764.2, residues 115-135): CFENVAVHLS[Asn125Ile]LIFRTFDLFL